The following continues an entry in ClinVar:

NM_000051.4(ATM):c.1073A>G (p.Asn358Ser)

Gene: ATM. ClinVar aggregate classification (germline): Benign. Benign (1).

Submissions 14 to 22 of 22:

Athena Diagnostics
Classification: Likely benign. Last evaluated: 2019-05-01. Review status: criteria provided, single submitter. Criteria: Athena Diagnostics Criteria. Collection method: clinical testing. Allele origin: germline. Not counted in ClinVar's aggregate classification.

Ambry Genetics
Classification: Likely benign for Hereditary cancer-predisposing syndrome. Last evaluated: 2019-03-06. Review status: criteria provided, single submitter. Criteria: Ambry Variant Classification Scheme 2023. Collection method: clinical testing. Allele origin: germline. Not counted in ClinVar's aggregate classification.

GeneDx
Classification: Uncertain significance. Last evaluated: 2018-10-19. Review status: criteria provided, single submitter. Criteria: GeneDx Variant Classification (06012015). Collection method: clinical testing. Allele origin: germline. Affected: yes. Not counted in ClinVar's aggregate classification.
Comment: This variant is denoted ATM c.1073A>G at the cDNA level, p.Asn358Ser (N358S) at the protein level, and results in the change of an Asparagine to a Serine (AAT>AGT). ATM Asn358Ser was reported in an individual with breast cancer, in an individual with a personal history of a Lynch syndrome-related cancer and/or colon polyps, and in an individual undergoing multigene hereditary cancer panel testing (Yurgelun 2015, Mu 2016, Decker 2017). This variant was observed at an allele frequency of 0.23% (55/23,886) in individuals of African ancestry in large population cohorts (Lek 2016). ATM Asn358Ser is not located in a known functional domain. In-silico analysis, which includes protein predictors and evolutionary conservation, supports that this variant does not alter protein structure/function. Based on currently available evidence, it is unclear whether ATM Asn358Ser is a pathogenic or benign variant. We consider it to be a variant of uncertain significance.

Eurofins Ntd Llc (ga)
Classification: Uncertain significance. Last evaluated: 2018-05-25. Review status: criteria provided, single submitter. Criteria: EGL ClinVar v180209 classification definitions. Collection method: clinical testing. Allele origin: germline. Observed: 1 variant allele, 1 heterozygote. Not counted in ClinVar's aggregate classification.

Genetic Services Laboratory, University of Chicago
Classification: Uncertain significance. Last evaluated: 2015-09-02. Review status: criteria provided, single submitter. Criteria: ACMG Guidelines, 2015. Collection method: clinical testing. Allele origin: germline. Affected: no. Not counted in ClinVar's aggregate classification.

PreventionGenetics, part of Exact Sciences
Classification: Likely benign for ATM-related condition. Last evaluated: 2022-03-21. Review status: no assertion criteria provided. Collection method: clinical testing. Allele origin: germline. Not counted in ClinVar's aggregate classification.
Comment: This variant is classified as likely benign based on ACMG/AMP sequence variant interpretation guidelines (Richards et al. 2015 PMID: 25741868, with internal and published modifications).

Clinical Genetics DNA and cytogenetics Diagnostics Lab, Erasmus MC, Erasmus Medical Center
Classification: Likely benign. Review status: no assertion criteria provided. Collection method: clinical testing. Allele origin: germline. Affected: yes. Study: VKGL Data-share Consensus. Not counted in ClinVar's aggregate classification.

Department of Pathology and Laboratory Medicine, Sinai Health System
Classification: Likely benign for Malignant tumor of breast. Review status: no assertion criteria provided. Collection method: clinical testing. Allele origin: unknown. Affected: yes. Observed: 1 variant allele. Study: The Canadian Open Genetics Repository (COGR). Not counted in ClinVar's aggregate classification.
Comment: The ATM p.Asn358Ser variant was identified in 1 of 562 proband chromosomes (frequency: 0.002) from individuals or families with breast cancer and triple-negative breast cancer and was present in 2 of 488 control chromosomes (frequency: 0.004) from healthy individuals (Lovejoy 2018, Rosenstein 2006). The variant was also identified in dbSNP (ID: rs149636614) as "With Uncertain significance allele", ClinVar (classified as likely benign by Ambry Genetics and Integrated Genetics and as uncertain significance by GeneDx, Invitae, University of Chicago and EGL Genetic Diagnostics), LOVD 3.0 (classified as likely benign by VKGL data sharing initiative). The variant was identified in control databases in 60 of 272346 chromosomes at a frequency of 0.0002 increasing the likelihood this could be a low frequency benign variant (Genome Aggregation Database Feb 27, 2017). The variant was observed in the following populations: African in 55 of 23886 chromosomes (freq: 0.002), Other in 1 of 6350 chromosomes (freq: 0.0002), Latino in 3 of 33660 chromosomes (freq: 0.00009), European Non-Finnish in 1 of 125094 chromosomes (freq: 0.000008), while the variant was not observed in the Ashkenazi Jewish, East Asian, Finnish, and South Asian populations. The p.Asn358 residue is not conserved in mammals and computational analyses (PolyPhen-2, SIFT, AlignGVGD, BLOSUM, MutationTaster) do not suggest a high likelihood of impact to the protein; however, this information is not predictive enough to rule out pathogenicity. The variant occurs outside of the splicing consensus sequence and in silico or computational prediction software programs (SpliceSiteFinder, MaxEntScan, NNSPLICE, GeneSplicer) do not predict a greater than 10% difference in splicing; this is not very predictive of pathogenicity. In summary, based on the above information the clinical significance of this variant cannot be determined with certainty at this time although we would lean towards a more benign role for this variant. This variant is classified as likely benign.

Genome Diagnostics Laboratory, University Medical Center Utrecht
Classification: Likely benign. Review status: no assertion criteria provided. Collection method: clinical testing. Allele origin: germline. Affected: yes. Study: VKGL Data-share Consensus. Not counted in ClinVar's aggregate classification.

Literature cited by the submitters: PubMed 25980754 (cited by 3 submitters); PubMed 27621404 (cited by Women's Health and Genetics/Laboratory Corporation of America, LabCorp); PubMed 27720647 (cited by Women's Health and Genetics/Laboratory Corporation of America, LabCorp and Athena Diagnostics); PubMed 28779002 (cited by Women's Health and Genetics/Laboratory Corporation of America, LabCorp and Athena Diagnostics); PubMed 28652578 (cited by Women's Health and Genetics/Laboratory Corporation of America, LabCorp); PubMed 31206626 (cited by Women's Health and Genetics/Laboratory Corporation of America, LabCorp); PubMed 30541756 (cited by Women's Health and Genetics/Laboratory Corporation of America, LabCorp); PubMed 25085752 (cited by Myriad Genetics, Inc.); PubMed 17333338 (cited by Ambry Genetics).